The following is an entry in ClinVar:

NM_024665.7(TBL1XR1):c.176_177dup (p.Val60fs)

Gene: TBL1XR1 (TBL1X/Y related 1; minus strand). Cytogenetic location: 3q26.32.
Variant type: Duplication.
Coding change: c.176_177dup on transcript NM_024665.7 (MANE Select); coding-DNA positions 176 to 177, 2 bases duplicated (AT; older notation c.176_177dupAT).
Protein change: p.Val60fs; shifts the reading frame from valine 60.
Molecular consequence: frameshift variant. On other transcripts: 5 prime UTR variant (2).
Genome position (GRCh38, 1-based): chr3:177,053,800-177,053,801, AT duplicated on the plus strand (AT on the coding strand, the reverse complement: TBL1XR1 is on the minus strand); duplicating any 2 consecutive bases within chr3:177,053,800-177,053,802 gives the same sequence; the c. name uses the placement nearest the transcript's 3' end. VCF-style (leftmost placement, unchanged base first): chr3-177053799-C-CAT. GRCh37 (hg19) VCF-style: chr3-176771587-C-CAT.
Other names: c.176_177dup, p.Val60fs (NM_001321193.3, NM_001321194.3, NM_001374327.1 and 2 more transcripts); c.-86_-85dup (NM_001321195.3, NM_001374330.1); short protein forms V60fs.
Identifiers: ClinVar variation 5006592 (VCV005006592.2).

ClinVar aggregate classification (germline): Likely pathogenic (1 of 4 stars; one submission).

Conditions:
Pierpont syndrome (PRPTS). Identifiers: Orphanet 487825, MedGen C1865644, MONDO:0011213, OMIM 602342.
Intellectual developmental disorder, autosomal dominant 41. Also called: Intellectual disability, autosomal dominant 41. Identifiers: Orphanet 2823, MedGen C4310784, MONDO:0014842, OMIM 616944.

Submission:

Juno Genomics, Hangzhou Juno Genomics, Inc
Classification: Likely pathogenic for Intellectual developmental disorder, autosomal dominant 41; Pierpont syndrome. Review status: criteria provided, single submitter. Criteria: ACMG Guidelines, 2015. Collection method: clinical testing. Allele origin: germline.
Comment: Null variant in a gene where loss of function (LOF) is a known mechanism of disease.;Absent from controls (or at extremely low frequency if recessive) in Genome Aggregation Database.